The following is an entry in ClinVar:

ClinVar aggregate classification (germline): Uncertain significance (1 of 4 stars; one submission).

Conditions:
Cardiovascular phenotype. Identifiers: MedGen CN230736.

Submission:

Ambry Genetics
Classification: Uncertain significance for Cardiovascular phenotype. Last evaluated: 2026-01-17. Review status: criteria provided, single submitter. Criteria: Ambry Variant Classification Scheme 2023. Collection method: clinical testing. Allele origin: germline.
Comment: The p.D1659H variant (also known as c.4975G>C), located in coding exon 33 of the MYH7 gene, results from a G to C substitution at nucleotide position 4975. The aspartic acid at codon 1659 is replaced by histidine, an amino acid with similar properties. This amino acid position is conserved. In addition, the in silico prediction for this alteration is inconclusive. Based on the available evidence, the clinical significance of this variant remains unclear.

NM_000257.4(MYH7):c.4975G>C (p.Asp1659His)

Genes: MHRT (myosin heavy chain associated RNA transcript; plus strand), MYH7 (myosin heavy chain 7; minus strand), LOC126861897 (BRD4-independent group 4 enhancer GRCh37_chr14:23884455-23885654; plus strand). Cytogenetic location: 14q11.2.
Variant type: single nucleotide variant.
Coding change: c.4975G>C on transcript NM_000257.4 (MANE Select); coding-DNA position 4975, G replaced by C.
Protein change: p.Asp1659His; replaces aspartic acid 1659 with histidine.
Molecular consequence: missense variant. On other transcripts: non-coding transcript variant (1).
Genome position (GRCh38, 1-based): chr14:23,415,811, C>G on the plus strand (G>C on the coding strand, the complement: MYH7 is on the minus strand). VCF-style: chr14-23415811-C-G. GRCh37 (hg19) VCF-style: chr14-23885020-C-G.
Other names: c.4975G>C, p.Asp1659His (NM_001407004.1); short protein forms D1659H.
Identifiers: ClinVar variation 4844330 (VCV004844330.1).
Genomic context (GRCh38, chr14:23,415,811, plus strand): 5'-TGTTGCGCCGCTCCACGATGGCGATGTTCTCCTTCAGGTCGTCGTTGGCACGGACTGCAT[C>G]GTCCAGCTGAATCTGGGTGTCCTGAGGATCAGGAGAGTGGGCATGAGCAGGGAGCCAGCC-3'
Protein context (NP_000248.2, residues 1649-1669): LLKDTQIQLD[Asp1659His]AVRANDDLKE